The following is an entry in ClinVar:

ClinVar aggregate classification (germline): Uncertain significance (1 of 4 stars; one submission).

Conditions:
Idiopathic generalized epilepsy. Also called: Generalised epilepsy; EIG. Identifiers: MedGen C0270850, MONDO:0005579, OMIM 600669.

Submission:

Labcorp Genetics (formerly Invitae), Labcorp
Classification: Uncertain significance for Idiopathic generalized epilepsy. Last evaluated: 2025-06-04. Review status: criteria provided, single submitter. Criteria: Invitae Variant Classification Sherloc (09022015). Collection method: clinical testing. Allele origin: germline.
Comment: This variant, c.1207_1209del, results in the deletion of 1 amino acid(s) of the GABRD protein (p.Lys403del), but otherwise preserves the integrity of the reading frame. This variant is present in population databases (no rsID available, gnomAD 0.003%). This variant has not been reported in the literature in individuals affected with GABRD-related conditions. Experimental studies and prediction algorithms are not available or were not evaluated, and the functional significance of this variant is currently unknown. In summary, the available evidence is currently insufficient to determine the role of this variant in disease. Therefore, it has been classified as a Variant of Uncertain Significance.

NM_000815.5(GABRD):c.1204AAG[1] (p.Lys403del)

Gene: GABRD (gamma-aminobutyric acid type A receptor subunit delta; plus strand). Cytogenetic location: 1p36.33.
Variant type: Microsatellite.
Coding change: c.1204AAG[1] on transcript NM_000815.5 (MANE Select); one copy of the 3-base unit AAG starting at c.1204; the reference has two copies in a row; one copy, 3 bases deleted.
Protein change: p.Lys403del; deletes lysine 403.
Molecular consequence: inframe deletion.
Genome position (GRCh38, 1-based): chr1:2,030,130-2,030,132, AAG deleted; deleting any 3 consecutive bases within chr1:2,030,126-2,030,132 gives the same sequence; the position shown is the placement nearest the transcript's 3' end. VCF-style (leftmost placement, unchanged base first): chr1-2030125-CGAA-C. GRCh37 (hg19) VCF-style: chr1-1961564-CGAA-C.
Other names: short protein forms K403del.
Identifiers: ClinVar variation 4744742 (VCV004744742.1).